The following is an entry in ClinVar:

ClinVar aggregate classification (germline): Likely benign. Review status: criteria provided, single submitter (1 of 4 stars). 2 submissions from 2 submitters: Likely benign (1). 1 of the submissions does not count toward it. Last evaluated 2022-10-10.

Conditions:
TP63-related disorder. Also called: TP63-Related Disorders; TP63-related condition. Identifiers: MedGen CN380159.
TP63-Related Spectrum Disorders.

Allele frequency attached by ClinVar (database versions not stated): TOPMed below 0.00001; gnomAD 0.00001; gnomAD exomes 0.00001; ExAC 0.00004.
gnomAD v4.1: 15 of 1,613,858 alleles (0.00093%); highest among the groups gnomAD compares: South Asian, 0.015%; no homozygotes.

Submissions (2):

Labcorp Genetics (formerly Invitae), Labcorp
Classification: Likely benign. Last evaluated: 2022-10-10. Review status: criteria provided, single submitter. Criteria: Invitae Variant Classification Sherloc (09022015). Collection method: clinical testing. Allele origin: germline.

PreventionGenetics, part of Exact Sciences
Classification: Likely benign for TP63-related condition. Last evaluated: 2022-01-25. Review status: no assertion criteria provided. Collection method: clinical testing. Allele origin: germline. Not counted in ClinVar's aggregate classification.
Comment: This variant is classified as likely benign based on ACMG/AMP sequence variant interpretation guidelines (Richards et al. 2015 PMID: 25741868, with internal and published modifications).

NM_003722.5(TP63):c.1677A>C (p.Ser559=)

Gene: TP63 (tumor protein p63; plus strand). Cytogenetic location: 3q28.
Variant type: single nucleotide variant.
Coding change: c.1677A>C on transcript NM_003722.5 (MANE Select); coding-DNA position 1677, A replaced by C.
Protein change: p.Ser559=; no amino-acid change (serine 559 retained).
Molecular consequence: synonymous variant. On other transcripts: intron variant (6).
Genome position (GRCh38, 1-based): chr3:189,890,813, A>C. VCF-style: chr3-189890813-A-C. GRCh37 (hg19) VCF-style: chr3-189608602-A-C.
Other names: c.1677A>C (NM_003722.4); c.1395A>C, p.Ser465= (NM_001114980.2); c.1140A>C, p.Ser380= (NM_001329146.2); c.1665A>C, p.Ser555= (NM_001329148.2); c.1671A>C, p.Ser557= (NM_001329964.2); c.1652+1329A>C (NM_001114978.2); c.1508-3393A>C (NM_001329144.2); c.1370+1329A>C (NM_001114981.2); and 3 more.
Identifiers: ClinVar variation 1956064 (VCV001956064.6), dbSNP rs749220686, ClinGen allele CA2752552.